The following is an entry in ClinVar:

NM_000026.4(ADSL):c.240A>C (p.Glu80Asp)

Gene: ADSL (adenylosuccinate lyase; plus strand). Cytogenetic location: 22q13.1.
Variant type: single nucleotide variant.
Coding change: c.240A>C on transcript NM_000026.4 (MANE Select); coding-DNA position 240, A replaced by C.
Protein change: p.Glu80Asp; replaces glutamic acid 80 with aspartic acid.
Molecular consequence: missense variant. On other transcripts: non-coding transcript variant (1).
Genome position (GRCh38, 1-based): chr22:40,349,918, A>C. VCF-style: chr22-40349918-A-C. GRCh37 (hg19) VCF-style: chr22-40745922-A-C.
Other names: c.240A>C, p.Glu80Asp (NM_001123378.3, NM_001363840.3); c.48A>C, p.Glu16Asp (NM_001317923.2); short protein forms E80D, E16D.
Identifiers: ClinVar variation 420030 (VCV000420030.2), dbSNP rs1064794245, ClinGen allele CA16621123.

ClinVar aggregate classification (germline): Uncertain significance (1 of 4 stars; one submission).

Submission:

GeneDx
Classification: Uncertain significance. Last evaluated: 2017-03-02. Review status: criteria provided, single submitter. Criteria: GeneDx Variant Classification (06012015). Collection method: clinical testing. Allele origin: germline. Affected: yes.
Comment: A variant of uncertain significance has been identified in the ADSL gene. Functional studies revealed that the E80D variant decreased the stability of the protein however, enzyme activity appeared normal and the protein structure was not significantly affected. The E80D variant is not observed in large population cohorts (Lek et al., 2016; 1000 Genomes Consortium et al., 2015; Exome Variant Server). In silico analysis predicts this variant is probably damaging to the protein structure/function. Missense variants in nearby residues (I72V and D87E) have been reported in Human Gene Mutation Database in association with adenylosuccinate lyase (ADSL) deficiency (Stenson et al., 2014), supporting the functional importance of this region of the protein. However, the E80D variant is a conservative amino acid substitution, which is not likely to impact secondary protein structure as these residues share similar properties and this substitution occurs at a position that is not conserved.Therefore, based on the currently available information, it is unclear whether this variant is a pathogenic variant or a rare benign variant.